The following is an entry in ClinVar:

NM_003640.5(ELP1):c.552+133A>G

Gene: ELP1 (elongator acetyltransferase complex subunit 1; minus strand). Cytogenetic location: 9q31.3.
Variant type: single nucleotide variant.
Coding change: c.552+133A>G on transcript NM_003640.5 (MANE Select); 133 bases into the intron after coding-DNA position 552, A replaced by G.
Molecular consequence: intron variant.
Genome position (GRCh38, 1-based): chr9:108,922,709, T>C on the plus strand (A>G on the coding strand, the complement: ELP1 is on the minus strand). VCF-style: chr9-108922709-T-C. GRCh37 (hg19) VCF-style: chr9-111684989-T-C.
Other names: c.210+133A>G (NM_001318360.2); c.-308+133A>G (NM_001330749.2).
Identifiers: ClinVar variation 681854 (VCV000681854.2), dbSNP rs3750457, ClinGen allele CA15587844.

ClinVar aggregate classification (germline): Benign. Review status: criteria provided, multiple submitters, no conflicts (2 of 4 stars). 2 submissions from 2 submitters: Benign (2). Last evaluated 2018-06-19.

Allele frequency attached by ClinVar (database versions not stated): gnomAD exomes 0.09189; gnomAD 0.13530 and 0.13766; TOPMed 0.14526; 1000 Genomes Project 0.15315; 1000 Genomes Project 30x 0.15834.
gnomAD v4.1: 75,068 of 746,734 alleles (10%); highest among the groups gnomAD compares: African/African-American, 25%; 5,060 homozygotes.

Submissions (2):

GeneDx
Classification: Benign. Last evaluated: 2018-06-19. Review status: criteria provided, single submitter. Criteria: GeneDx Variant Classification (06012015). Collection method: clinical testing. Allele origin: germline. Affected: yes.
Comment: This variant is considered likely benign or benign based on one or more of the following criteria: it is a conservative change, it occurs at a poorly conserved position in the protein, it is predicted to be benign by multiple in silico algorithms, and/or has population frequency not consistent with disease.

Breakthrough Genomics
Classification: Benign. Review status: criteria provided, single submitter. Criteria: ACMG Guidelines, 2015. Collection method: not provided. Allele origin: germline. Inheritance: Autosomal recessive inheritance. Affected: yes.